The following is an entry in ClinVar:

ClinVar aggregate classification (germline): Conflicting classifications of pathogenicity. Review status: criteria provided, conflicting classifications (1 of 4 stars). 2 submissions from 2 submitters: Uncertain significance (1); Likely benign (1). Last evaluated 2024-06-18.

Allele frequency attached by ClinVar (database versions not stated): TOPMed 0.00002; gnomAD 0.00003 and 0.00002; 1000 Genomes Project 0.00020; gnomAD exomes 0.00001 and 0.00002; ExAC 0.00002.
gnomAD v4.1: 9 of 1,614,086 alleles (0.00056%); highest among the groups gnomAD compares: Admixed American, 0.01%; no homozygotes.

Submissions (2):

GeneDx
Classification: Uncertain significance. Last evaluated: 2024-06-18. Review status: criteria provided, single submitter. Criteria: GeneDx Variant Classification Process June 2021. Collection method: clinical testing. Allele origin: germline. Affected: yes.
Comment: In silico analysis supports that this missense variant has a deleterious effect on protein structure/function; Has not been previously published as pathogenic or benign to our knowledge

Labcorp Genetics (formerly Invitae), Labcorp
Classification: Likely benign. Last evaluated: 2023-08-02. Review status: criteria provided, single submitter. Criteria: Invitae Variant Classification Sherloc (09022015). Collection method: clinical testing. Allele origin: germline.

NM_004958.4(MTOR):c.4612C>T (p.Arg1538Trp)

Genes: MTOR (mechanistic target of rapamycin kinase; minus strand), MTOR-AS1 (MTOR antisense RNA 1; plus strand). Cytogenetic location: 1p36.22.
Variant type: single nucleotide variant.
Coding change: c.4612C>T on transcript NM_004958.4 (MANE Select); coding-DNA position 4612, C replaced by T.
Protein change: p.Arg1538Trp; replaces arginine 1538 with tryptophan.
Molecular consequence: missense variant.
Genome position (GRCh38, 1-based): chr1:11,146,750, G>A on the plus strand (C>T on the coding strand, the complement: MTOR is on the minus strand). VCF-style: chr1-11146750-G-A. GRCh37 (hg19) VCF-style: chr1-11206807-G-A.
Other names: short protein forms R1538W.
Identifiers: ClinVar variation 938858 (VCV000938858.12), dbSNP rs202187935, ClinGen allele CA589587.